The following is an entry in ClinVar:

ClinVar aggregate classification (germline): Uncertain significance (1 of 4 stars; one submission).

Allele frequency attached by ClinVar (database versions not stated): gnomAD 0.00001; gnomAD exomes 0.00001; TOPMed 0.00001; ExAC 0.00004; ESP Exome Variant Server 0.00025.
gnomAD v4.1: 17 of 1,613,904 alleles (0.0011%); highest among the groups gnomAD compares: Admixed American, 0.0017%; no homozygotes.

Submission:

Labcorp Genetics (formerly Invitae), Labcorp
Classification: Uncertain significance. Last evaluated: 2023-12-11. Review status: criteria provided, single submitter. Criteria: Invitae Variant Classification Sherloc (09022015). Collection method: clinical testing. Allele origin: germline.
Comment: This sequence change replaces isoleucine, which is neutral and non-polar, with valine, which is neutral and non-polar, at codon 830 of the KIAA0753 protein (p.Ile830Val). This variant is present in population databases (rs369517542, gnomAD 0.004%). This variant has not been reported in the literature in individuals affected with KIAA0753-related conditions. ClinVar contains an entry for this variant (Variation ID: 1461827). An algorithm developed to predict the effect of missense changes on protein structure and function (PolyPhen-2) suggests that this variant¬†is likely to be tolerated. Algorithms developed to predict the effect of sequence changes on RNA splicing suggest that this variant may create or strengthen a splice site. In summary, the available evidence is currently insufficient to determine the role of this variant in disease. Therefore, it has been classified as a Variant of Uncertain Significance.

NM_014804.3(KIAA0753):c.2488A>G (p.Ile830Val)

Gene: KIAA0753 (KIAA0753; minus strand). Cytogenetic location: 17p13.1.
Variant type: single nucleotide variant.
Coding change: c.2488A>G on transcript NM_014804.3 (MANE Select); coding-DNA position 2488, A replaced by G.
Protein change: p.Ile830Val; replaces isoleucine 830 with valine.
Molecular consequence: missense variant. On other transcripts: non-coding transcript variant (3).
Genome position (GRCh38, 1-based): chr17:6,590,583, T>C on the plus strand (A>G on the coding strand, the complement: KIAA0753 is on the minus strand). VCF-style: chr17-6590583-T-C. GRCh37 (hg19) VCF-style: chr17-6493903-T-C.
Other names: c.1591A>G, p.Ile531Val (NM_001351225.2); short protein forms I830V, I531V.
Identifiers: ClinVar variation 1461827 (VCV001461827.4), dbSNP rs369517542, ClinGen allele CA8330129.